The following is an entry in ClinVar:

ClinVar aggregate classification (germline): Uncertain significance (1 of 4 stars; one submission).

Submission:

CeGaT Center for Human Genetics Tuebingen
Classification: Uncertain significance. Last evaluated: 2025-02-01. Review status: criteria provided, single submitter. Criteria: CeGaT Center For Human Genetics Tuebingen Variant Classification Criteria Version 2. Collection method: clinical testing. Allele origin: germline. Affected: yes. Observed: 1 variant allele.
Comment: TET3: PM2

NM_001287491.2(TET3):c.5353A>C (p.Thr1785Pro)

Gene: TET3 (tet methylcytosine dioxygenase 3; plus strand). Cytogenetic location: 2p13.1.
Variant type: single nucleotide variant.
Coding change: c.5353A>C on transcript NM_001287491.2 (MANE Select); coding-DNA position 5353, A replaced by C.
Protein change: p.Thr1785Pro; replaces threonine 1785 with proline.
Molecular consequence: missense variant.
Genome position (GRCh38, 1-based): chr2:74,102,141, A>C. VCF-style: chr2-74102141-A-C. GRCh37 (hg19) VCF-style: chr2-74329268-A-C.
Other names: c.5074A>C, p.Thr1692Pro (NM_001366022.1); short protein forms T1692P, T1785P.
Identifiers: ClinVar variation 3772564 (VCV003772564.13).